The following is an entry in ClinVar:

ClinVar aggregate classification (germline): Uncertain significance (1 of 4 stars; one submission).

Submission:

GeneDx
Classification: Uncertain significance. Last evaluated: 2026-02-25. Review status: criteria provided, single submitter. Criteria: GeneDx Variant Classification Process June 2021. Collection method: clinical testing. Allele origin: germline.
Comment: Not observed at significant frequency in large population cohorts (gnomAD); In silico analysis suggests that this missense variant does not alter protein structure/function; Has not been previously published as pathogenic or benign to our knowledge

NM_000701.8(ATP1A1):c.2093A>G (p.Lys698Arg)

Genes: ATP1A1 (ATPase Na+/K+ transporting subunit alpha 1; plus strand), ATP1A1-AS1 (ATP1A1 antisense RNA 1; minus strand). Cytogenetic location: 1p13.1.
Variant type: single nucleotide variant.
Coding change: c.2093A>G on transcript NM_000701.8 (MANE Select); coding-DNA position 2093, A replaced by G.
Protein change: p.Lys698Arg; replaces lysine 698 with arginine.
Molecular consequence: missense variant.
Genome position (GRCh38, 1-based): chr1:116,398,007, A>G. VCF-style: chr1-116398007-A-G. GRCh37 (hg19) VCF-style: chr1-116940629-A-G.
Other names: c.2093A>G, p.Lys698Arg (NM_001160233.2); c.2000A>G, p.Lys667Arg (NM_001160234.2); short protein forms K698R, K667R.
Identifiers: ClinVar variation 5008040 (VCV005008040.1).
Genomic context (GRCh38, chr1:116,398,007, plus strand): 5'-TGGATGACATTTTGAAGTACCACACTGAGATAGTGTTTGCCAGGACCTCCCCTCAGCAGA[A>G]GCTCATCATTGTGGAAGGCTGCCAAAGACAGGTCAGCCAGCACAAGGATCAGGCTGCTTT-3'
Protein context (NP_000692.2, residues 688-708): IVFARTSPQQ[Lys698Arg]LIIVEGCQRQ